The following is an entry in ClinVar:

ClinVar aggregate classification (germline): Uncertain significance (1 of 4 stars; one submission).

Conditions:
Acrocallosal syndrome (ACLS). Also called: HALLUX DUPLICATION, POSTAXIAL POLYDACTYLY, AND ABSENCE OF CORPUS CALLOSUM; Schinzel syndrome 1; Absence of corpus callosum with unusual facial appearance, mental deficiency, duplication of the halluces and polydactyly. Identifiers: Orphanet 36, MedGen C0796147, MONDO:0008708, OMIM 200990.

Submission:

Labcorp Genetics (formerly Invitae), Labcorp
Classification: Uncertain significance for Acrocallosal syndrome. Last evaluated: 2020-10-10. Review status: criteria provided, single submitter. Criteria: Invitae Variant Classification Sherloc (09022015). Collection method: clinical testing. Allele origin: germline.
Comment: Algorithms developed to predict the effect of sequence changes on RNA splicing suggest that this variant may create or strengthen a splice site, but this prediction has not been confirmed by published transcriptional studies. In summary, the available evidence is currently insufficient to determine the role of this variant in disease. Therefore, it has been classified as a Variant of Uncertain Significance. Algorithms developed to predict the effect of missense changes on protein structure and function are either unavailable or do not agree on the potential impact of this missense change (SIFT: "Deleterious"; PolyPhen-2: "Probably Damaging"; Align-GVGD: "Class C0"). This variant has not been reported in the literature in individuals with KIF7-related conditions. The frequency data for this variant in the population databases is considered unreliable, as metrics indicate insufficient coverage at this position in the ExAC database. This sequence change replaces lysine with glutamine at codon 247 of the KIF7 protein (p.Lys247Gln). The lysine residue is weakly conserved and there is a small physicochemical difference between lysine and glutamine.

NM_198525.3(KIF7):c.739A>C (p.Lys247Gln)

Gene: KIF7 (kinesin family member 7; minus strand). Cytogenetic location: 15q26.1.
Variant type: single nucleotide variant.
Coding change: c.739A>C on transcript NM_198525.3 (MANE Select); coding-DNA position 739, A replaced by C.
Protein change: p.Lys247Gln; replaces lysine 247 with glutamine.
Molecular consequence: missense variant.
Genome position (GRCh38, 1-based): chr15:89,649,158, T>G on the plus strand (A>C on the coding strand, the complement: KIF7 is on the minus strand). VCF-style: chr15-89649158-T-G. GRCh37 (hg19) VCF-style: chr15-90192389-T-G.
Other names: short protein forms K247Q.
Identifiers: ClinVar variation 1037853 (VCV001037853.8), dbSNP rs1964079117, ClinGen allele CA393775089.
Genomic context (GRCh38, chr15:89,649,158, plus strand): 5'-CGCCGGTGCTGCCCGTCTTGAGCACCCTCTCTGAGCCCGCCAGGTCCACGAAGTGGAACT[T>G]GGAGACGAGCAGCTGGCCCGGGGCGGGGCGGGGTAGGCGGCTGGGGGCGCGCCCCCGCTG-3'
Protein context (NP_940927.2, residues 237-257): RPAPGQLLVS[Lys247Gln]FHFVDLAGSE